The following is an entry in ClinVar:

NM_000051.4(ATM):c.993G>A (p.Lys331=)

Gene: ATM (ATM serine/threonine kinase; plus strand). Cytogenetic location: 11q22.3.
Variant type: single nucleotide variant.
Coding change: c.993G>A on transcript NM_000051.4 (MANE Select); coding-DNA position 993, G replaced by A.
Protein change: p.Lys331=; no amino-acid change (lysine 331 retained).
Molecular consequence: synonymous variant.
Genome position (GRCh38, 1-based): chr11:108,247,055, G>A. VCF-style: chr11-108247055-G-A. GRCh37 (hg19) VCF-style: chr11-108117782-G-A.
Other names: c.993G>A, p.Lys331= (NM_001351834.2).
Identifiers: ClinVar variation 185277 (VCV000185277.24), dbSNP rs786202048, ClinGen allele CA191509.

ClinVar aggregate classification (germline): Benign/Likely benign. Review status: criteria provided, multiple submitters, no conflicts (2 of 4 stars). 7 submissions from 7 submitters: Benign (1); Likely benign (6). Last evaluated 2025-10-29.

Conditions:
Hereditary cancer-predisposing syndrome. Also called: Tumor predisposition; Hereditary Cancer Syndrome; Hereditary neoplastic syndrome; Neoplastic Syndromes, Hereditary. Identifiers: Orphanet 140162, MedGen C0027672, MeSH D009386, MONDO:0015356.
Familial cancer of breast. Also called: BREAST CANCER, FAMILIAL; hereditary breast carcinoma; Hereditary breast cancer. Identifiers: Orphanet 227535, MedGen C0346153, MONDO:0016419, OMIM 114480. Disease mechanism: loss of function.
Ataxia-telangiectasia syndrome (AT). Also called: LOUIS-BAR SYNDROME; Cerebello-oculocutaneous telangiectasia; Immunodeficiency with ataxia telangiectasia; ATAXIA-TELANGIECTASIA, COMPLEMENTATION GROUP A; ATAXIA-TELANGIECTASIA, FRESNO VARIANT; Ataxia-telangiectasia. Identifiers: Orphanet 100, MedGen C0004135, MONDO:0008840, OMIM 208900.

Allele frequency attached by ClinVar (database versions not stated): gnomAD exomes below 0.00001; TOPMed below 0.00001; gnomAD 0.00001.
gnomAD v4.1: 2 of 1,613,738 alleles (0.00012%); highest among the groups gnomAD compares: Non-Finnish European, 0.00017%; no homozygotes.

Submissions (7):

Labcorp Genetics (formerly Invitae), Labcorp
Classification: Likely benign for Ataxia-telangiectasia syndrome. Last evaluated: 2025-10-29. Review status: criteria provided, single submitter. Criteria: Invitae Variant Classification Sherloc (09022015). Collection method: clinical testing. Allele origin: germline.

ARUP Laboratories, Molecular Genetics and Genomics, ARUP Laboratories
Classification: Likely benign. Last evaluated: 2024-04-25. Review status: criteria provided, single submitter. Criteria: ARUP Molecular Germline Variant Investigation Process 2024. Collection method: clinical testing. Allele origin: germline.

Myriad Genetics, Inc.
Classification: Benign for Familial cancer of breast. Last evaluated: 2024-04-24. Review status: criteria provided, single submitter. Criteria: Myriad Autosomal Dominant, Autosomal Recessive and X-Linked Classification Criteria (2023). Collection method: clinical testing. Allele origin: unknown.
Comment: This variant is considered benign. This variant is a silent/synonymous amino acid change and it is not expected to impact splicing.

Sema4
Classification: Likely benign for Hereditary cancer-predisposing syndrome. Last evaluated: 2022-01-21. Review status: criteria provided, single submitter. Criteria: Sema4 Curation Guidelines. Collection method: curation. Allele origin: germline.

GeneDx
Classification: Likely benign. Last evaluated: 2019-07-08. Review status: criteria provided, single submitter. Criteria: GeneDx Variant Classification Process June 2021. Collection method: clinical testing. Allele origin: germline. Affected: yes.

Color Diagnostics, LLC DBA Color Health
Classification: Likely benign for Hereditary cancer-predisposing syndrome. Last evaluated: 2018-09-26. Review status: criteria provided, single submitter. Criteria: ACMG Guidelines, 2015. Collection method: clinical testing. Allele origin: germline.

Ambry Genetics
Classification: Likely benign for Hereditary cancer-predisposing syndrome. Last evaluated: 2014-06-16. Review status: criteria provided, single submitter. Criteria: Ambry Variant Classification Scheme 2023. Collection method: clinical testing. Allele origin: germline.